The following is an entry in ClinVar:

ClinVar aggregate classification (germline): Uncertain significance (1 of 4 stars; one submission).

Allele frequency attached by ClinVar (database versions not stated): gnomAD exomes below 0.00001.
gnomAD v4.1: 1 of 1,614,054 alleles (0.000062%); highest among the groups gnomAD compares: Non-Finnish European, 0.000085%; no homozygotes.

Submission:

Ambry Genetics
Classification: Uncertain significance. Last evaluated: 2021-12-20. Review status: criteria provided, single submitter. Criteria: Ambry Variant Classification Scheme 2023. Collection method: clinical testing. Allele origin: germline.
Comment: The p.L754S variant (also known as c.2261T>C), located in coding exon 1 of the MLH3 gene, results from a T to C substitution at nucleotide position 2261. The leucine at codon 754 is replaced by serine, an amino acid with dissimilar properties. This amino acid position is conserved. In addition, the in silico prediction for this alteration is inconclusive. Since supporting evidence is limited at this time, the clinical significance of this alteration remains unclear.

NM_001040108.2(MLH3):c.2261T>C (p.Leu754Ser)

Gene: MLH3 (mutL homolog 3; minus strand). Cytogenetic location: 14q24.3.
Variant type: single nucleotide variant.
Coding change: c.2261T>C on transcript NM_001040108.2 (MANE Select); coding-DNA position 2261, T replaced by C.
Protein change: p.Leu754Ser; replaces leucine 754 with serine.
Molecular consequence: missense variant.
Genome position (GRCh38, 1-based): chr14:75,047,395, A>G on the plus strand (T>C on the coding strand, the complement: MLH3 is on the minus strand). VCF-style: chr14-75047395-A-G. GRCh37 (hg19) VCF-style: chr14-75514098-A-G.
Other names: c.2261T>C, p.Leu754Ser (NM_014381.3); short protein forms L754S.
Identifiers: ClinVar variation 1788648 (VCV001788648.2), dbSNP rs2503274437, ClinGen allele CA390441097.